The following is an entry in ClinVar:

NM_015909.4(NBAS):c.2340-17T>A

Gene: NBAS (NBAS subunit of NRZ tethering complex; minus strand). Cytogenetic location: 2p24.3.
Variant type: single nucleotide variant.
Coding change: c.2340-17T>A on transcript NM_015909.4 (MANE Select); 17 bases into the intron before coding-DNA position 2340, T replaced by A.
Molecular consequence: intron variant.
Genome position (GRCh38, 1-based): chr2:15,427,811, A>T on the plus strand (T>A on the coding strand, the complement: NBAS is on the minus strand). VCF-style: chr2-15427811-A-T. GRCh37 (hg19) VCF-style: chr2-15567935-A-T.
Identifiers: ClinVar variation 2130290 (VCV002130290.4), dbSNP rs781357166, ClinGen allele CA1536379.
Genomic context (GRCh38, chr2:15,427,811, plus strand): 5'-TATGTTCATGCCAAGGAATGATCATCAGGGAGTCACCGTTAAAACTCAAATTTAAAAAAA[A>T]ATAAGTGTTTAAAATTCACATTACCTCAATGACTTAGCCACACAAGGAGTAAAATGCAAA-3'

ClinVar aggregate classification (germline): Uncertain significance (1 of 4 stars; one submission).

Allele frequency attached by ClinVar (database versions not stated): gnomAD exomes below 0.00001; ExAC 0.00001; TOPMed 0.00002.
gnomAD v4.1: 1 of 1,589,076 alleles (0.000063%); highest among the groups gnomAD compares: African/African-American, 0.0013%; no homozygotes.

Submission:

Labcorp Genetics (formerly Invitae), Labcorp
Classification: Uncertain significance. Last evaluated: 2022-08-08. Review status: criteria provided, single submitter. Criteria: Invitae Variant Classification Sherloc (09022015). Collection method: clinical testing. Allele origin: germline.
Comment: This variant is present in population databases (rs781357166, gnomAD 0.007%). In summary, the available evidence is currently insufficient to determine the role of this variant in disease. Therefore, it has been classified as a Variant of Uncertain Significance. Algorithms developed to predict the effect of sequence changes on RNA splicing suggest that this variant may disrupt the consensus splice site. This variant has not been reported in the literature in individuals affected with NBAS-related conditions. This sequence change falls in intron 21 of the NBAS gene. It does not directly change the encoded amino acid sequence of the NBAS protein.